The following is an entry in ClinVar:

NM_130797.4(DPP6):c.243+11150C>A

Gene: DPP6 (dipeptidyl peptidase like 6; plus strand). Cytogenetic location: 7q36.2.
Variant type: single nucleotide variant.
Coding change: c.243+11150C>A on transcript NM_130797.4 (MANE Select); 11150 bases into the intron after coding-DNA position 243, C replaced by A.
Molecular consequence: intron variant.
Genome position (GRCh38, 1-based): chr7:154,064,213, C>A. VCF-style: chr7-154064213-C-A. GRCh37 (hg19) VCF-style: chr7-153761298-C-A.
Other names: c.60+315205C>A (NM_001364500.2, NM_001364499.2, NM_001364497.2 and 1 more transcripts); c.51+176479C>A (NM_001364501.2, NM_001039350.3); c.243+11150C>A (NM_001290253.2).
Identifiers: ClinVar variation 2658253 (VCV002658253.24), dbSNP rs71530499, ClinGen allele CA169636568.
Genomic context (GRCh38, chr7:154,064,213, plus strand): 5'-CCCCCATACACCTCTGTCCCGCTCCCCGTTCAGGCTGACAATGTGCTCACCACACAGCAG[C>A]ACCTCCTGGTCTTGATTGTTGGGGCCCTCGCAATCATTGCACTGGCCCGTCCTGCCATCT-3'

ClinVar aggregate classification (germline): Likely benign (1 of 4 stars; one submission).

Allele frequency attached by ClinVar (database versions not stated): 1000 Genomes Project 30x 0.00187; gnomAD 0.00346; TOPMed 0.00353.
gnomAD v4.1: 526 of 152,276 alleles (0.35%); highest among the groups gnomAD compares: Middle Eastern, 1%; 6 homozygotes.

Submission:

CeGaT Center for Human Genetics Tuebingen
Classification: Likely benign. Last evaluated: 2023-03-01. Review status: criteria provided, single submitter. Criteria: CeGaT Center For Human Genetics Tuebingen Variant Classification Criteria Version 2. Collection method: clinical testing. Allele origin: germline. Affected: yes. Observed: 8 variant alleles.
Comment: DPP6: BS2